The following is an entry in ClinVar:

ClinVar aggregate classification (germline): Pathogenic. Review status: criteria provided, multiple submitters, no conflicts (2 of 4 stars). 3 submissions from 3 submitters: Pathogenic (3). Last evaluated 2025-05-28.

Conditions:
Neuronal ceroid lipofuscinosis. Also called: Neuronal Ceroid Lipofuscinoses. Identifiers: Orphanet 216, Orphanet 79263, MedGen C0027877, MONDO:0016295. Disease mechanism: loss of function.
Retinitis pigmentosa 61 (RP61). Identifiers: Orphanet 791, MedGen C3280041, MONDO:0013610, OMIM 614180.

Submissions (3):

Myriad Genetics, Inc.
Classification: Pathogenic for Neuronal ceroid lipofuscinosis. Last evaluated: 2025-05-28. Review status: criteria provided, single submitter. Criteria: Myriad Autosomal Dominant, Autosomal Recessive and X-Linked Classification Criteria (2023). Collection method: clinical testing. Allele origin: unknown.
Comment: NM_174878.2(CLRN1):c.591delT(F197Lfs*5) is a frameshift variant classified as pathogenic in the context of usher syndrome type 3. F197Lfs*5 has been observed in a case with relevant disease (PMID: 34148116). Relevant functional assessments of this variant are not available in the literature. F197Lfs*5 has not been observed in referenced population frequency databases. In summary, NM_174878.2(CLRN1):c.591delT(F197Lfs*5) is a frameshift variant in a gene where loss of function is a known mechanism of disease and is predicted to disrupt protein function. Please note: this variant was assessed in the context of healthy population screening.

Labcorp Genetics (formerly Invitae), Labcorp
Classification: Pathogenic. Last evaluated: 2023-11-21. Review status: criteria provided, single submitter. Criteria: Invitae Variant Classification Sherloc (09022015). Collection method: clinical testing. Allele origin: germline.
Comment: This sequence change creates a premature translational stop signal (p.Phe197Leufs*5) in the CLRN1 gene. While this is not anticipated to result in nonsense mediated decay, it is expected to disrupt the last 36 amino acid(s) of the CLRN1 protein. This variant is not present in population databases (gnomAD no frequency). This variant has not been reported in the literature in individuals affected with CLRN1-related conditions. ClinVar contains an entry for this variant (Variation ID: 1971725). This variant disrupts a region of the CLRN1 protein in which other variant(s) (p.Arg207*) have been determined to be pathogenic (PMID: 22952768, 23304067, 26338283). This suggests that this is a clinically significant region of the protein, and that variants that disrupt it are likely to be disease-causing. For these reasons, this variant has been classified as Pathogenic.

Baylor Genetics
Classification: Pathogenic for Retinitis pigmentosa 61. Last evaluated: 2023-05-31. Review status: criteria provided, single submitter. Criteria: ACMG Guidelines, 2015. Collection method: clinical testing. Allele origin: unknown.

Literature cited by the submitters: PubMed 34148116 (cited by Myriad Genetics, Inc.); PubMed 22952768 (cited by Labcorp Genetics (formerly Invitae), Labcorp); PubMed 23304067 (cited by Labcorp Genetics (formerly Invitae), Labcorp); PubMed 26338283 (cited by Labcorp Genetics (formerly Invitae), Labcorp).

NM_174878.3(CLRN1):c.591del (p.Phe197fs)

Gene: CLRN1 (clarin 1; minus strand). Cytogenetic location: 3q25.1.
Variant type: Deletion.
Coding change: c.591del on transcript NM_174878.3 (MANE Select); coding-DNA position 591, one base deleted (T; older notation c.591delT).
Protein change: p.Phe197fs; shifts the reading frame from phenylalanine 197.
Molecular consequence: frameshift variant. On other transcripts: 3 prime UTR variant (1), non-coding transcript variant (1), intron variant (1).
Genome position (GRCh38, 1-based): chr3:150,928,044, A deleted on the plus strand (T on the coding strand, the reverse complement: CLRN1 is on the minus strand); the first of 6 consecutive A bases (chr3:150,928,044-150,928,049); deleting any one gives the same sequence. VCF-style (leftmost placement, unchanged base first): chr3-150928043-CA-C. GRCh37 (hg19) VCF-style: chr3-150645830-CA-C.
Other names: c.630del, p.Phe210fs (NM_001195794.1); c.*205del (NM_001256819.2); c.342+21del (NM_052995.2); short protein forms F210fs, F197fs.
Identifiers: ClinVar variation 1971725 (VCV001971725.7), dbSNP rs2107927719, ClinGen allele CA2577935427.